The following is an entry in ClinVar:

ClinVar aggregate classification (germline): Pathogenic/Likely pathogenic. Review status: criteria provided, multiple submitters, no conflicts (2 of 4 stars). 6 submissions from 6 submitters: Pathogenic (5); Likely pathogenic (1). Last evaluated 2026-03-31.

Conditions:
Kabuki syndrome 1 (KABUK1). Also called: KMT2D-Related Kabuki Syndrome. Identifiers: Orphanet 2322, MedGen CN030661, MONDO:0007843, OMIM 147920.
Kabuki syndrome. Also called: Kabuki make-up syndrome; NIIKAWA-KUROKI SYNDROME. Identifiers: Orphanet 2322, MedGen C0796004, MONDO:0016512.

Submissions (6):

GeneDx
Classification: Pathogenic. Last evaluated: 2026-03-31. Review status: criteria provided, single submitter. Criteria: GeneDx Variant Classification Process June 2021. Collection method: clinical testing. Allele origin: germline.
Comment: Frameshift variant predicted to result in protein truncation or nonsense mediated decay in a gene for which loss of function is a known mechanism of disease; Not observed at significant frequency in large population cohorts (gnomAD); This variant is associated with the following publications: (PMID: 25896430, 38751117)

Victorian Clinical Genetics Services, Murdoch Childrens Research Institute
Classification: Pathogenic for Kabuki syndrome 1. Last evaluated: 2023-12-21. Review status: criteria provided, single submitter. Criteria: ACMG Guidelines, 2015. Collection method: clinical testing. Allele origin: germline. Inheritance: Autosomal dominant inheritance. Affected: yes.
Comment: Based on the classification scheme VCGS_Germline_v1.3.4, this variant is classified as Pathogenic. Following criteria are met: 0102 - Loss of function is a known mechanism of disease in this gene and is associated with Kabuki syndrome 1 (MIM#147920). The mechanism for branchial arch abnormalities, choanal atresia, athelia, hearing loss, and hypothyroidism syndrome (MIM#620186) is unclear, but is associated with variants in exons 38-39 (PMID: 31949313). (I) 0107 - This gene is associated with autosomal dominant disease. (I) 0115 - Variants in this gene are known to have variable expressivity in individuals with Kabuki syndrome (PMID: 21882399). (I) 0201 - Variant is predicted to cause nonsense-mediated decay (NMD) and loss of protein (premature termination codon is located at least 54 nucleotides upstream of the final exon-exon junction). (SP) 0251 - This variant is heterozygous. (I) 0301 - Variant is absent from gnomAD (both v2 and v3). (SP) 0701 - Other NMD predicted variants comparable to the one identified in this case have very strong previous evidence for pathogenicity (DECIPHER). (SP) 0802 - This variant has moderate previous evidence of pathogenicity in unrelated individuals. This variant has been classified as pathogenic or likely pathogenic by two clinical laboratories in ClinVar, and has been observed in one individual with Kabuki syndrome 1 in the literature (PMID: 25896430). (SP) 0905 - No published segregation evidence has been identified for this variant. (I) 1007 - No published functional evidence has been identified for this variant. (SP) Legend: (SP) - Supporting pathogenic, (I) - Information, (SB) - Supporting benign

Medical Genetics Center, Maternal and Child Health Hospital of Hubei Province
Classification: Pathogenic for Kabuki syndrome 1. Last evaluated: 2023-02-01. Review status: criteria provided, single submitter. Criteria: ACMG Guidelines, 2015. Collection method: clinical testing. Allele origin: de novo. Affected: yes.

Labcorp Genetics (formerly Invitae), Labcorp
Classification: Pathogenic for Kabuki syndrome. Last evaluated: 2019-07-18. Review status: criteria provided, single submitter. Criteria: Invitae Variant Classification Sherloc (09022015). Collection method: clinical testing. Allele origin: germline.
Comment: This sequence change creates a premature translational stop signal (p.Lys1466Glnfs*25) in the KMT2D gene. It is expected to result in an absent or disrupted protein product. This variant is not present in population databases (ExAC no frequency). This variant has been observed in an individual with clinical features of Kabuki syndrome (PMID: 25896430). ClinVar contains an entry for this variant (Variation ID: 547421). Loss-of-function variants in KMT2D are known to be pathogenic (PMID: 22126750). For these reasons, this variant has been classified as Pathogenic.

Center for Human Genetics, Inc
Classification: Likely pathogenic for Kabuki syndrome 1. Last evaluated: 2016-11-01. Review status: criteria provided, single submitter. Criteria: ACMG Guidelines, 2015. Collection method: clinical testing. Allele origin: germline. Affected: yes.

Laboratory of Medical Genetics, University of Torino
Classification: Pathogenic for Kabuki syndrome 1. Review status: criteria provided, single submitter. Criteria: ACMG Guidelines, 2015. Collection method: clinical testing. Allele origin: unknown. Affected: yes.

Literature cited by the submitters: PubMed 21882399 (cited by Victorian Clinical Genetics Services, Murdoch Childrens Research Institute); PubMed 25896430 (cited by 3 submitters); PubMed 31949313 (cited by Victorian Clinical Genetics Services, Murdoch Childrens Research Institute); PubMed 22126750 (cited by Labcorp Genetics (formerly Invitae), Labcorp).

NM_003482.4(KMT2D):c.4395dup (p.Lys1466fs)

Gene: KMT2D (lysine methyltransferase 2D; minus strand). Cytogenetic location: 12q13.12.
Variant type: Duplication.
Coding change: c.4395dup on transcript NM_003482.4 (MANE Select); coding-DNA position 4395, one base duplicated (C; older notation c.4395dupC).
Protein change: p.Lys1466fs; shifts the reading frame from lysine 1466.
Molecular consequence: frameshift variant.
Genome position (GRCh38, 1-based): chr12:49,046,632, G duplicated on the plus strand (C on the coding strand, the reverse complement: KMT2D is on the minus strand); the first of 4 consecutive G bases (chr12:49,046,632-49,046,635); duplicating any one gives the same sequence. VCF-style (leftmost placement, unchanged base first): chr12-49046631-T-TG. GRCh37 (hg19) VCF-style: chr12-49440414-T-TG.
Other names: c.4395dupC (NM_003482.3); short protein forms K1466fs.
Identifiers: ClinVar variation 547421 (VCV000547421.15), dbSNP rs1555195118, ClinGen allele CA645573348.
Genomic context (GRCh38, chr12:49,046,631, plus strand): 5'-AGGCCCCAGGGCTCCACTGAAGATCCCAGTCTCCTTACCACTTGCACTTCCAGCCGCCCT[T>TG]GGGGACGGTGAGCAGTGGGGGGTCCAGGCAGTATGTGTGGTAGCTAATATCACAGTCATC-3'